The following is an entry in ClinVar:

NM_003235.5(TG):c.848G>A (p.Arg283Gln)

Gene: TG (thyroglobulin; plus strand). Cytogenetic location: 8q24.22.
Variant type: single nucleotide variant.
Coding change: c.848G>A on transcript NM_003235.5 (MANE Select); coding-DNA position 848, G replaced by A.
Protein change: p.Arg283Gln; replaces arginine 283 with glutamine.
Molecular consequence: missense variant.
Genome position (GRCh38, 1-based): chr8:132,882,571, G>A. VCF-style: chr8-132882571-G-A. GRCh37 (hg19) VCF-style: chr8-133894816-G-A.
Other names: short protein forms R283Q.
Identifiers: ClinVar variation 909061 (VCV000909061.9), dbSNP rs146926250, ClinGen allele CA4883021.

ClinVar aggregate classification (germline): Uncertain significance. Review status: criteria provided, multiple submitters, no conflicts (2 of 4 stars). 5 submissions from 5 submitters: Uncertain significance (5). Last evaluated 2024-11-25.

Conditions:
Autoimmune thyroid disease, susceptibility to, 3. Identifiers: MedGen C1842444, MONDO:0011982, OMIM 608175.
Iodotyrosyl coupling defect (TDH3). Also called: HYPOTHYROIDISM, CONGENITAL, DUE TO DYSHORMONOGENESIS, 3; THYROID HORMONOGENESIS, GENETIC DEFECT IN, 3. Identifiers: Orphanet 95716, MedGen C0342194, MONDO:0010135, OMIM 274700.

Allele frequency attached by ClinVar (database versions not stated): gnomAD 0.00068 and 0.00073; TOPMed 0.00074; gnomAD exomes 0.00077 and 0.00155; ExAC 0.00085; ESP Exome Variant Server 0.00100.
gnomAD v4.1: 2,320 of 1,614,082 alleles (0.14%); highest among the groups gnomAD compares: Non-Finnish European, 0.19%; 2 homozygotes.

Submissions (5):

Women's Health and Genetics/Laboratory Corporation of America, LabCorp
Classification: Uncertain significance. Last evaluated: 2024-11-25. Review status: criteria provided, single submitter. Criteria: LabCorp Variant Classification Summary - May 2015. Collection method: clinical testing. Allele origin: germline.
Comment: Variant summary: TG c.848G>A (p.Arg283Gln) results in a conservative amino acid change located in the Thyroglobulin type-1 domain profile domain (IPR000716) of the encoded protein sequence. Four of five in-silico tools predict a damaging effect of the variant on protein function. The variant allele was found at a frequency of 0.0014 in 1614082 control chromosomes in the gnomAD database, including 2 homozygotes. Although this frequency is not significantly higher than estimated for a pathogenic variant in TG causing TG-Related Disorders, these data provide evidence the variant may be benign. To our knowledge, no occurrence of c.848G>A in individuals affected with TG-Related Disorders and no experimental evidence demonstrating its impact on protein function have been reported. ClinVar contains an entry for this variant (Variation ID: 909061). Based on the evidence outlined above, the variant was classified as VUS-possibly benign.

Baylor Genetics
Classification: Uncertain significance for Iodotyrosyl coupling defect. Last evaluated: 2022-03-07. Review status: criteria provided, single submitter. Criteria: ACMG Guidelines, 2015. Collection method: clinical testing. Allele origin: unknown.

Fulgent Genetics
Classification: Uncertain significance for Iodotyrosyl coupling defect; Autoimmune thyroid disease, susceptibility to, 3. Last evaluated: 2022-01-18. Review status: criteria provided, single submitter. Criteria: ACMG Guidelines, 2015. Collection method: clinical testing. Allele origin: unknown.

GeneDx
Classification: Uncertain significance. Last evaluated: 2021-02-10. Review status: criteria provided, single submitter. Criteria: GeneDx Variant Classification Process June 2021. Collection method: clinical testing. Allele origin: germline. Affected: yes.
Comment: In silico analysis supports that this missense variant does not alter protein structure/function; Has not been previously published as pathogenic or benign to our knowledge

Illumina Laboratory Services, Illumina
Classification: Uncertain significance for Iodotyrosyl coupling defect. Last evaluated: 2017-04-27. Review status: criteria provided, single submitter. Criteria: ICSL Variant Classification Criteria 13 December 2019. Collection method: clinical testing. Allele origin: germline.